The following is an entry in ClinVar:

NM_172364.5(CACNA2D4):c.1711_1712insA (p.Arg571fs)

Gene: CACNA2D4 (calcium voltage-gated channel auxiliary subunit alpha2delta 4; minus strand). Cytogenetic location: 12p13.33.
Variant type: Insertion.
Coding change: c.1711_1712insA on transcript NM_172364.5 (MANE Select); coding-DNA positions 1711 to 1712, A inserted.
Protein change: p.Arg571fs; shifts the reading frame from arginine 571.
Molecular consequence: frameshift variant.
Genome position: GRCh38 VCF-style: chr12-1878322-C-CT. GRCh37 (hg19) VCF-style: chr12-1987488-C-CT.
Other names: short protein forms R571fs.
Identifiers: ClinVar variation 2849848 (VCV002849848.3), dbSNP rs2497213068, ClinGen allele CA2739271820.

ClinVar aggregate classification (germline): Uncertain significance (1 of 4 stars; one submission).

Submission:

Labcorp Genetics (formerly Invitae), Labcorp
Classification: Uncertain significance. Last evaluated: 2023-03-26. Review status: criteria provided, single submitter. Criteria: Invitae Variant Classification Sherloc (09022015). Collection method: clinical testing. Allele origin: germline.
Comment: This sequence change creates a premature translational stop signal (p.Arg571Glnfs*15) in the CACNA2D4 gene. It is expected to result in an absent or disrupted protein product. However, the current clinical and genetic evidence is not sufficient to establish whether loss-of-function variants in CACNA2D4 cause disease. This variant is not present in population databases (gnomAD no frequency). This variant has not been reported in the literature in individuals affected with CACNA2D4-related conditions. In summary, the available evidence is currently insufficient to determine the role of this variant in disease. Therefore, it has been classified as a Variant of Uncertain Significance.